The following is an entry in ClinVar:

NM_000275.3(OCA2):c.938C>A (p.Ala313Asp)

Gene: OCA2 (OCA2 melanosomal transmembrane protein; minus strand). Cytogenetic location: 15q13.1.
Variant type: single nucleotide variant.
Coding change: c.938C>A on transcript NM_000275.3 (MANE Select); coding-DNA position 938, C replaced by A.
Protein change: p.Ala313Asp; replaces alanine 313 with aspartic acid.
Molecular consequence: missense variant.
Genome position (GRCh38, 1-based): chr15:28,014,882, G>T on the plus strand (C>A on the coding strand, the complement: OCA2 is on the minus strand). VCF-style: chr15-28014882-G-T. GRCh37 (hg19) VCF-style: chr15-28260028-G-T.
Other names: c.938C>A, p.Ala313Asp (NM_001300984.2); short protein forms A313D.
Identifiers: ClinVar variation 1355781 (VCV001355781.6), dbSNP rs1030027107, ClinGen allele CA267907283.

ClinVar aggregate classification (germline): Uncertain significance (1 of 4 stars; one submission).

Allele frequency attached by ClinVar (database versions not stated): TOPMed below 0.00001; gnomAD 0.00001.
gnomAD v4.1: 1 of 1,614,074 alleles (0.000062%); highest among the groups gnomAD compares: African/African-American, 0.0013%; no homozygotes.

Submission:

Labcorp Genetics (formerly Invitae), Labcorp
Classification: Uncertain significance. Last evaluated: 2022-05-23. Review status: criteria provided, single submitter. Criteria: Invitae Variant Classification Sherloc (09022015). Collection method: clinical testing. Allele origin: germline.
Comment: This sequence change replaces alanine, which is neutral and non-polar, with aspartic acid, which is acidic and polar, at codon 313 of the OCA2 protein (p.Ala313Asp). This variant is not present in population databases (gnomAD no frequency). This variant has not been reported in the literature in individuals affected with OCA2-related conditions. Advanced modeling of protein sequence and biophysical properties (such as structural, functional, and spatial information, amino acid conservation, physicochemical variation, residue mobility, and thermodynamic stability) performed at Invitae indicates that this missense variant is not expected to disrupt OCA2 protein function. In summary, the available evidence is currently insufficient to determine the role of this variant in disease. Therefore, it has been classified as a Variant of Uncertain Significance.